The following is an entry in ClinVar:

NM_021620.4(PRDM13):c.551C>T (p.Ala184Val)

Gene: PRDM13 (PR/SET domain 13; plus strand). Cytogenetic location: 6q16.2.
Variant type: single nucleotide variant.
Coding change: c.551C>T on transcript NM_021620.4 (MANE Select); coding-DNA position 551, C replaced by T.
Protein change: p.Ala184Val; replaces alanine 184 with valine.
Molecular consequence: missense variant.
Genome position (GRCh38, 1-based): chr6:99,613,186, C>T. VCF-style: chr6-99613186-C-T. GRCh37 (hg19) VCF-style: chr6-100061062-C-T.
Other names: short protein forms A184V.
Identifiers: ClinVar variation 1918644 (VCV001918644.5), dbSNP rs2114499652, ClinGen allele CA365115604.

ClinVar aggregate classification (germline): Uncertain significance (1 of 4 stars; one submission).

Allele frequency attached by ClinVar (database versions not stated): gnomAD exomes 0.00001.
gnomAD v4.1: 7 of 1,612,546 alleles (0.00043%); highest among the groups gnomAD compares: African/African-American, 0.0027%; no homozygotes.

Submission:

Labcorp Genetics (formerly Invitae), Labcorp
Classification: Uncertain significance. Last evaluated: 2024-01-19. Review status: criteria provided, single submitter. Criteria: Invitae Variant Classification Sherloc (09022015). Collection method: clinical testing. Allele origin: germline.
Comment: This sequence change replaces alanine, which is neutral and non-polar, with valine, which is neutral and non-polar, at codon 184 of the PRDM13 protein (p.Ala184Val). This variant is not present in population databases (gnomAD no frequency). This variant has not been reported in the literature in individuals affected with PRDM13-related conditions. ClinVar contains an entry for this variant (Variation ID: 1918644). Algorithms developed to predict the effect of missense changes on protein structure and function output the following: SIFT: "Not Available"; PolyPhen-2: "Benign"; Align-GVGD: "Not Available". The valine amino acid residue is found in multiple mammalian species, which suggests that this missense change does not adversely affect protein function. In summary, the available evidence is currently insufficient to determine the role of this variant in disease. Therefore, it has been classified as a Variant of Uncertain Significance.